The following is an entry in ClinVar:

NM_006389.5(HYOU1):c.2642C>T (p.Thr881Ile)

Gene: HYOU1 (hypoxia up-regulated 1; minus strand). Cytogenetic location: 11q23.3.
Variant type: single nucleotide variant.
Coding change: c.2642C>T on transcript NM_006389.5 (MANE Select); coding-DNA position 2642, C replaced by T.
Protein change: p.Thr881Ile; replaces threonine 881 with isoleucine.
Molecular consequence: missense variant.
Genome position (GRCh38, 1-based): chr11:119,046,756, G>A on the plus strand (C>T on the coding strand, the complement: HYOU1 is on the minus strand). VCF-style: chr11-119046756-G-A. GRCh37 (hg19) VCF-style: chr11-118917468-G-A.
Other names: c.2642C>T, p.Thr881Ile (NM_001130991.3, NM_001411041.1); short protein forms T881I.
Identifiers: ClinVar variation 3676635 (VCV003676635.2).

ClinVar aggregate classification (germline): Uncertain significance (1 of 4 stars; one submission).

Submission:

Labcorp Genetics (formerly Invitae), Labcorp
Classification: Uncertain significance. Last evaluated: 2024-09-24. Review status: criteria provided, single submitter. Criteria: Invitae Variant Classification Sherloc (09022015). Collection method: clinical testing. Allele origin: germline.
Comment: This sequence change replaces threonine, which is neutral and polar, with isoleucine, which is neutral and non-polar, at codon 881 of the HYOU1 protein (p.Thr881Ile). This variant is not present in population databases (gnomAD no frequency). This variant has not been reported in the literature in individuals affected with HYOU1-related conditions. An algorithm developed to predict the effect of missense changes on protein structure and function (PolyPhen-2) suggests that this variant is likely to be disruptive. In summary, the available evidence is currently insufficient to determine the role of this variant in disease. Therefore, it has been classified as a Variant of Uncertain Significance.